The following is an entry in ClinVar:

ClinVar aggregate classification (germline): Uncertain significance. Review status: criteria provided, multiple submitters, no conflicts (2 of 4 stars). 2 submissions from 2 submitters: Uncertain significance (2). Last evaluated 2026-03-25.

Conditions:
Familial thoracic aortic aneurysm and aortic dissection (TAAD). Also called: Thoracic aortic aneurysms and dissections. Identifiers: Orphanet 91387, MedGen C4707243, MONDO:0019625.

Submissions (2):

Women's Health and Genetics/Laboratory Corporation of America, LabCorp
Classification: Uncertain significance. Last evaluated: 2026-03-25. Review status: criteria provided, single submitter. Criteria: LabCorp Variant Classification Summary - May 2015. Collection method: clinical testing. Allele origin: germline.
Comment: Variant summary: COL5A2 c.2126C>T (p.Pro709Leu) results in a non-conservative amino acid change in the encoded protein sequence. Algorithms developed to predict the effect of missense changes on protein structure and function all suggest that this variant is likely to be disruptive. The variant was absent in 251262 control chromosomes. The available data on variant occurrences in the general population are insufficient to allow any conclusion about variant significance. To our knowledge, no occurrence of c.2126C>T in individuals affected with COL5A2-related conditions and no experimental evidence demonstrating its impact on protein function have been reported. ClinVar contains an entry for this variant (Variation ID: 4635357). Based on the evidence outlined above, the variant was classified as uncertain significance.

Ambry Genetics
Classification: Uncertain significance for Familial thoracic aortic aneurysm and aortic dissection. Last evaluated: 2025-12-02. Review status: criteria provided, single submitter. Criteria: Ambry Variant Classification Scheme 2023. Collection method: clinical testing. Allele origin: germline.
Comment: The c.2126C>T (p.P709L) alteration is located in exon 32 (coding exon 32) of the COL5A2 gene. This alteration results from a C to T substitution at nucleotide position 2126, causing the proline (P) at amino acid position 709 to be replaced by a leucine (L). This variant was not reported in population-based cohorts in the Genome Aggregation Database (gnomAD). This amino acid position is highly conserved in available vertebrate species. This alteration is predicted to be deleterious by in silico analysis. Based on insufficient or conflicting evidence, the clinical significance of this alteration remains unclear.

NM_000393.5(COL5A2):c.2126C>T (p.Pro709Leu)

Gene: COL5A2 (collagen type V alpha 2 chain; minus strand). Cytogenetic location: 2q32.2.
Variant type: single nucleotide variant.
Coding change: c.2126C>T on transcript NM_000393.5 (MANE Select); coding-DNA position 2126, C replaced by T.
Protein change: p.Pro709Leu; replaces proline 709 with leucine.
Molecular consequence: missense variant.
Genome position (GRCh38, 1-based): chr2:189,058,853, G>A on the plus strand (C>T on the coding strand, the complement: COL5A2 is on the minus strand). VCF-style: chr2-189058853-G-A. GRCh37 (hg19) VCF-style: chr2-189923579-G-A.
Other names: short protein forms P709L.
Identifiers: ClinVar variation 4635357 (VCV004635357.2).